The following is an entry in ClinVar:

ClinVar aggregate classification (germline): Likely pathogenic (1 of 4 stars; one submission).

Conditions:
Marfan syndrome (MFS). Also called: FBN1-Related Marfan Syndrome; MARFAN SYNDROME, TYPE I; Marfan syndrome type 1; Marfan's syndrome; Marfan syndrome, classic. Identifiers: Orphanet 284963, Orphanet 558, MedGen C0024796, MONDO:0007947, OMIM 154700.
Familial thoracic aortic aneurysm and aortic dissection (TAAD). Also called: Thoracic aortic aneurysms and dissections. Identifiers: Orphanet 91387, MedGen C4707243, MONDO:0019625.

Submission:

Labcorp Genetics (formerly Invitae), Labcorp
Classification: Likely pathogenic for Marfan syndrome; Familial thoracic aortic aneurysm and aortic dissection. Last evaluated: 2026-01-13. Review status: criteria provided, single submitter. Criteria: Invitae Variant Classification Sherloc (09022015). Collection method: clinical testing. Allele origin: germline.
Comment: This sequence change affects a donor splice site in intron 6 of the FBN1 gene. It is expected to disrupt RNA splicing. Variants that disrupt the donor or acceptor splice site typically lead to a loss of protein function (PMID: 16199547), and loss-of-function variants in FBN1 are known to be pathogenic (PMID: 17657824, 19293843). This variant is not present in population databases (gnomAD no frequency). Disruption of this splice site has been observed in individual(s) with clinical features of FBN1-related conditions (internal data). Algorithms developed to predict the effect of sequence changes on RNA splicing suggest that this variant may disrupt the consensus splice site. In summary, the currently available evidence indicates that the variant is pathogenic, but additional data are needed to prove that conclusively. Therefore, this variant has been classified as Likely Pathogenic.

Literature cited by the submitters: PubMed 16199547; PubMed 17657824; PubMed 19293843.

NM_000138.5(FBN1):c.538+1G>C

Gene: FBN1 (fibrillin 1; minus strand). Cytogenetic location: 15q21.1.
Variant type: single nucleotide variant.
Coding change: c.538+1G>C on transcript NM_000138.5 (MANE Select); the canonical splice donor site of the intron after coding-DNA position 538, G replaced by C.
Molecular consequence: splice donor variant.
Genome position (GRCh38, 1-based): chr15:48,596,282, C>G on the plus strand (G>C on the coding strand, the complement: FBN1 is on the minus strand). VCF-style: chr15-48596282-C-G. GRCh37 (hg19) VCF-style: chr15-48888479-C-G.
Other names: c.538+1G>C (NM_001406716.1, NM_001406717.1).
Identifiers: ClinVar variation 4787268 (VCV004787268.1).